The following is an entry in ClinVar:

ClinVar aggregate classification (germline): Likely benign. Review status: criteria provided, multiple submitters, no conflicts (2 of 4 stars). 2 submissions from 2 submitters: Likely benign (2). Last evaluated 2025-07-14.

Conditions:
Hereditary spastic paraplegia 30. Identifiers: Orphanet 101010, MedGen C5235139, MONDO:0012476.
Neuropathy, hereditary sensory, type 2C. Also called: Hereditary sensory and autonomic neuropathy type IIC; KIF1A-Related HSAN2 (HSAN2C). Identifiers: Orphanet 970, MedGen C3280168, MONDO:0013634, OMIM 614213.
Intellectual disability, autosomal dominant 9 (NESCAVS). Also called: KIF1A-Related Neurodevelopmental Disorder; NESCAV SYNDROME. Identifiers: Orphanet 662367, MedGen C5393830, MONDO:0013656, OMIM 614255.

Submissions (2):

Labcorp Genetics (formerly Invitae), Labcorp
Classification: Likely benign for Hereditary spastic paraplegia 30; Neuropathy, hereditary sensory, type 2C; Intellectual disability, autosomal dominant 9. Last evaluated: 2025-07-14. Review status: criteria provided, single submitter. Criteria: Invitae Variant Classification Sherloc (09022015). Collection method: clinical testing. Allele origin: germline.

GeneDx
Classification: Likely benign. Last evaluated: 2022-05-19. Review status: criteria provided, single submitter. Criteria: GeneDx Variant Classification Process June 2021. Collection method: clinical testing. Allele origin: germline. Affected: yes.
Comment: See Variant Classification Assertion Criteria.

NM_001244008.2(KIF1A):c.4257-14_4257-12del

Gene: KIF1A (kinesin family member 1A; minus strand). Cytogenetic location: 2q37.3.
Variant type: Deletion.
Coding change: c.4257-14_4257-12del on transcript NM_001244008.2 (MANE Select); 14 bases into the intron before coding-DNA position 4257 through 12 bases into the intron before coding-DNA position 4257, 3 bases deleted (TCT; older notation c.4257-14_4257-12delTCT).
Molecular consequence: intron variant.
Genome position (GRCh38, 1-based): chr2:240,724,048-240,724,050, AGA deleted on the plus strand (TCT on the coding strand, the reverse complement: KIF1A is on the minus strand); deleting any 3 consecutive bases within chr2:240,724,048-240,724,052 gives the same sequence; the c. name uses the placement nearest the transcript's 3' end. VCF-style (leftmost placement, unchanged base first): chr2-240724047-TAGA-T. GRCh37 (hg19) VCF-style: chr2-241663464-TAGA-T.
Other names: c.3954-14_3954-12del (NM_001379653.1, NM_001379650.1, NM_001379641.1 and 2 more transcripts); c.4230-14_4230-12del (NM_001379645.1, NM_001379633.1); c.4080-14_4080-12del (NM_001379635.1, NM_001379646.1); c.3951-14_3951-12del (NM_001379640.1); c.3978-14_3978-12del (NM_001379639.1); c.3981-14_3981-12del (NM_001379649.1, NM_001320705.2); c.4068-14_4068-12del (NM_001379636.1); c.4233-14_4233-12del (NM_001379632.1); and 7 more.
Identifiers: ClinVar variation 420986 (VCV000420986.11), dbSNP rs778412941, ClinGen allele CA2207439.